The following is an entry in ClinVar:

ClinVar aggregate classification (germline): Uncertain significance (1 of 4 stars; one submission).

Conditions:
Left ventricular noncompaction 8 (LVNC8). Identifiers: Orphanet 154, Orphanet 54260, MedGen C3809288, MONDO:0014152, OMIM 615373.

Allele frequency attached by ClinVar (database versions not stated): gnomAD exomes 0.00001 and 0.00002; gnomAD 0.00003; TOPMed 0.00003.
gnomAD v4.1: 35 of 1,584,996 alleles (0.0022%); highest among the groups gnomAD compares: Middle Eastern, 0.017%; no homozygotes.

Submission:

Labcorp Genetics (formerly Invitae), Labcorp
Classification: Uncertain significance for Left ventricular noncompaction 8. Last evaluated: 2022-03-09. Review status: criteria provided, single submitter. Criteria: Invitae Variant Classification Sherloc (09022015). Collection method: clinical testing. Allele origin: germline.
Comment: In summary, the available evidence is currently insufficient to determine the role of this variant in disease. Therefore, it has been classified as a Variant of Uncertain Significance. This sequence change affects codon 347 of the PRDM16 mRNA. It is a 'silent' change, meaning that it does not change the encoded amino acid sequence of the PRDM16 protein. The frequency data for this variant in the population databases is considered unreliable, as metrics indicate poor data quality at this position in the gnomAD database. This variant has not been reported in the literature in individuals affected with PRDM16-related conditions. ClinVar contains an entry for this variant (Variation ID: 939093). Algorithms developed to predict the effect of sequence changes on RNA splicing suggest that this variant may create or strengthen a splice site.

NM_022114.4(PRDM16):c.1041G>A (p.Thr347=)

Gene: PRDM16 (PR/SET domain 16; plus strand). Cytogenetic location: 1p36.32.
Variant type: single nucleotide variant.
Coding change: c.1041G>A on transcript NM_022114.4 (MANE Select); coding-DNA position 1041, G replaced by A.
Protein change: p.Thr347=; no amino-acid change (threonine 347 retained).
Molecular consequence: synonymous variant.
Genome position (GRCh38, 1-based): chr1:3,405,503, G>A. VCF-style: chr1-3405503-G-A. GRCh37 (hg19) VCF-style: chr1-3322067-G-A.
Other names: c.1041G>A, p.Thr347= (NM_199454.3).
Identifiers: ClinVar variation 939093 (VCV000939093.9), dbSNP rs1200718124, ClinGen allele CA415536221.